The following is an entry in ClinVar:

NM_006254.4(PRKCD):c.446A>G (p.Lys149Arg)

Gene: PRKCD (protein kinase C delta; plus strand). Cytogenetic location: 3p21.1.
Variant type: single nucleotide variant.
Coding change: c.446A>G on transcript NM_006254.4 (MANE Select); coding-DNA position 446, A replaced by G.
Protein change: p.Lys149Arg; replaces lysine 149 with arginine.
Molecular consequence: missense variant.
Genome position (GRCh38, 1-based): chr3:53,181,513, A>G. VCF-style: chr3-53181513-A-G. GRCh37 (hg19) VCF-style: chr3-53215529-A-G.
Other names: c.446A>G, p.Lys149Arg (NM_001316327.2, NM_001354679.2, NM_001354680.2 and 1 more transcripts); c.503A>G, p.Lys168Arg (NM_001354676.2); c.494A>G, p.Lys165Arg (NM_001354678.2); short protein forms K149R, K165R, K168R.
Identifiers: ClinVar variation 1425619 (VCV001425619.8), dbSNP rs74793932, ClinGen allele CA74849505.
Genomic context (GRCh38, chr3:53,181,513, plus strand): 5'-AGTCTATGCGCAGTGAGGACGAGGCCAAGTTCCCAACGATGAACCGCCGCGGAGCCATCA[A>G]ACAGGCCAAAATCCACTACATCAAGAACCATGAGTTTATCGCCACCTTCTTTGGGCAACC-3'
Protein context (NP_006245.2, residues 139-159): FPTMNRRGAI[Lys149Arg]QAKIHYIKNH

ClinVar aggregate classification (germline): Uncertain significance (1 of 4 stars; one submission).

Conditions:
Autoimmune lymphoproliferative syndrome, type III caused by mutation in PRKCD. Identifiers: Orphanet 3261, Orphanet 664711, MedGen C3809928, MONDO:8000024, OMIM 615559.

Allele frequency attached by ClinVar (database versions not stated): gnomAD exomes below 0.00001.
gnomAD v4.1: 4 of 1,614,242 alleles (0.00025%); highest among the groups gnomAD compares: East Asian, 0.0022%; no homozygotes.

Submission:

Labcorp Genetics (formerly Invitae), Labcorp
Classification: Uncertain significance for Autoimmune lymphoproliferative syndrome, type III caused by mutation in PRKCD. Last evaluated: 2022-09-13. Review status: criteria provided, single submitter. Criteria: Invitae Variant Classification Sherloc (09022015). Collection method: clinical testing. Allele origin: germline.
Comment: In summary, the available evidence is currently insufficient to determine the role of this variant in disease. Therefore, it has been classified as a Variant of Uncertain Significance. Algorithms developed to predict the effect of missense changes on protein structure and function are either unavailable or do not agree on the potential impact of this missense change (SIFT: "Deleterious"; PolyPhen-2: "Benign"; Align-GVGD: "Class C0"). ClinVar contains an entry for this variant (Variation ID: 1425619). This variant has not been reported in the literature in individuals affected with PRKCD-related conditions. This variant is not present in population databases (gnomAD no frequency). This sequence change replaces lysine, which is basic and polar, with arginine, which is basic and polar, at codon 149 of the PRKCD protein (p.Lys149Arg).